The following is an entry in ClinVar:

NM_001008537.3(NEXMIF):c.862G>T (p.Glu288Ter)

Gene: NEXMIF (neurite extension and migration factor; minus strand). Cytogenetic location: Xq13.3.
Variant type: single nucleotide variant.
Coding change: c.862G>T on transcript NM_001008537.3 (MANE Select); coding-DNA position 862, G replaced by T.
Protein change: p.Glu288Ter; replaces glutamic acid 288 with a stop codon.
Molecular consequence: nonsense.
Genome position (GRCh38, 1-based): chrX:74,743,695, C>A on the plus strand (G>T on the coding strand, the complement: NEXMIF is on the minus strand). VCF-style: chrX-74743695-C-A. GRCh37 (hg19) VCF-style: chrX-73963530-C-A.
Other names: short protein forms E288*.
Identifiers: ClinVar variation 1033191 (VCV001033191.1), dbSNP rs2080115999, ClinGen allele CA413672205.

ClinVar aggregate classification (germline): Pathogenic (1 of 4 stars; one submission).

Conditions:
X-linked intellectual disability, Cantagrel type (XLID98). Also called: INTELLECTUAL DEVELOPMENTAL DISORDER, X-LINKED 98. Identifiers: Orphanet 85277, MedGen C3806730, MONDO:0010483, OMIM 300912.

Submission:

Baylor Genetics
Classification: Pathogenic for X-linked intellectual disability, Cantagrel type. Last evaluated: 2018-06-22. Review status: criteria provided, single submitter. Criteria: ACMG Guidelines, 2015. Collection method: clinical testing. Allele origin: de novo. Affected: yes.
Comment: This variant was determined to be pathogenic according to ACMG Guidelines, 2015 [PMID:25741868].